The following is an entry in ClinVar:

NM_001909.5(CTSD):c.640G>A (p.Val214Ile)

Gene: CTSD (cathepsin D; minus strand). Cytogenetic location: 11p15.5.
Variant type: single nucleotide variant.
Coding change: c.640G>A on transcript NM_001909.5 (MANE Select); coding-DNA position 640, G replaced by A.
Protein change: p.Val214Ile; replaces valine 214 with isoleucine.
Molecular consequence: missense variant.
Genome position (GRCh38, 1-based): chr11:1,757,388, C>T on the plus strand (G>A on the coding strand, the complement: CTSD is on the minus strand). VCF-style: chr11-1757388-C-T. GRCh37 (hg19) VCF-style: chr11-1778618-C-T.
Other names: short protein forms V214I.
Identifiers: ClinVar variation 944988 (VCV000944988.8), dbSNP rs756998360, ClinGen allele CA5814120.

ClinVar aggregate classification (germline): Uncertain significance. Review status: criteria provided, multiple submitters, no conflicts (2 of 4 stars). 2 submissions from 2 submitters: Uncertain significance (2). Last evaluated 2025-03-28.

Conditions:
Inborn genetic diseases. Identifiers: MedGen C0950123, MeSH D030342.
Neuronal ceroid lipofuscinosis. Also called: Neuronal Ceroid Lipofuscinoses. Identifiers: Orphanet 216, Orphanet 79263, MedGen C0027877, MONDO:0016295. Disease mechanism: loss of function.

Allele frequency attached by ClinVar (database versions not stated): gnomAD exomes below 0.00001 and 0.00003; ExAC 0.00001; gnomAD 0.00001; TOPMed 0.00002.

Submissions (2):

Ambry Genetics
Classification: Uncertain significance for Inborn genetic diseases. Last evaluated: 2025-03-28. Review status: criteria provided, single submitter. Criteria: Ambry Variant Classification Scheme 2023. Collection method: clinical testing. Allele origin: germline.

Labcorp Genetics (formerly Invitae), Labcorp
Classification: Uncertain significance for Neuronal ceroid lipofuscinosis. Last evaluated: 2024-01-22. Review status: criteria provided, single submitter. Criteria: Invitae Variant Classification Sherloc (09022015). Collection method: clinical testing. Allele origin: germline.
Comment: This sequence change replaces valine, which is neutral and non-polar, with isoleucine, which is neutral and non-polar, at codon 214 of the CTSD protein (p.Val214Ile). This variant is present in population databases (rs756998360, gnomAD 0.006%). This variant has not been reported in the literature in individuals affected with CTSD-related conditions. ClinVar contains an entry for this variant (Variation ID: 944988). Advanced modeling of protein sequence and biophysical properties (such as structural, functional, and spatial information, amino acid conservation, physicochemical variation, residue mobility, and thermodynamic stability) performed at Invitae indicates that this missense variant is not expected to disrupt CTSD protein function with a negative predictive value of 80%. In summary, the available evidence is currently insufficient to determine the role of this variant in disease. Therefore, it has been classified as a Variant of Uncertain Significance.